The following is an entry in ClinVar:

ClinVar aggregate classification (germline): Uncertain significance (1 of 4 stars; one submission).

Conditions:
Autosomal dominant Alport syndrome (ATS3A). Also called: ALPORT SYNDROME 3A, AUTOSOMAL DOMINANT; Alport syndrome dominant type; Renal failure and sensorineural hearing loss. Identifiers: Orphanet 63, Orphanet 88918, MedGen C5882663, MONDO:0007086, OMIM 104200.

Submission:

Genetics laboratory, Institute of Kidney Diseases & Research Centre Dr. H.L. Trivedi Institute Of Transplantation Sciences
Classification: Uncertain significance for Autosomal dominant Alport syndrome. Last evaluated: 2024-07-23. Review status: criteria provided, single submitter. Criteria: ACMG Guidelines, 2015. Collection method: clinical testing. Allele origin: germline. Inheritance: Autosomal dominant inheritance. Affected: yes. Observed: 1 variant allele, 1 heterozygote.
Comment: The COL4A3 variant c.2831C>T (p.Pro944Leu) is classified as a Variant of Uncertain Significance based on currently available evidence. Although the variant is rare in population databases, there is insufficient evidence to establish its clinical significance.

NM_000091.5(COL4A3):c.2831C>T (p.Pro944Leu)

Genes: COL4A3 (collagen type IV alpha 3 chain; plus strand), MFF-DT (MFF divergent transcript; minus strand). Cytogenetic location: 2q36.3.
Variant type: single nucleotide variant.
Coding change: c.2831C>T on transcript NM_000091.5 (MANE Select); coding-DNA position 2831, C replaced by T.
Protein change: p.Pro944Leu; replaces proline 944 with leucine.
Molecular consequence: missense variant.
Genome position (GRCh38, 1-based): chr2:227,284,295, C>T. VCF-style: chr2-227284295-C-T. GRCh37 (hg19) VCF-style: chr2-228149011-C-T.
Other names: short protein forms P944L.
Identifiers: ClinVar variation 4851554 (VCV004851554.1).